The following is an entry in ClinVar:

ClinVar aggregate classification (germline): Uncertain significance (1 of 4 stars; one submission).

Submission:

Labcorp Genetics (formerly Invitae), Labcorp
Classification: Uncertain significance. Last evaluated: 2024-02-04. Review status: criteria provided, single submitter. Criteria: Invitae Variant Classification Sherloc (09022015). Collection method: clinical testing. Allele origin: germline.
Comment: This sequence change replaces aspartic acid, which is acidic and polar, with valine, which is neutral and non-polar, at codon 1836 of the RP1 protein (p.Asp1836Val). This variant is not present in population databases (gnomAD no frequency). This variant has not been reported in the literature in individuals affected with RP1-related conditions. An algorithm developed to predict the effect of missense changes on protein structure and function (PolyPhen-2) suggests that this variant is likely to be tolerated. In summary, the available evidence is currently insufficient to determine the role of this variant in disease. Therefore, it has been classified as a Variant of Uncertain Significance.

NM_006269.2(RP1):c.5507A>T (p.Asp1836Val)

Genes: RP1 (RP1 axonemal microtubule associated; plus strand), LOC126860392 (CDK7 strongly-dependent group 2 enhancer GRCh37_chr8:55541319-55542518; plus strand). Cytogenetic location: 8q12.1.
Variant type: single nucleotide variant.
Coding change: c.5507A>T on transcript NM_006269.2 (MANE Select); coding-DNA position 5507, A replaced by T.
Protein change: p.Asp1836Val; replaces aspartic acid 1836 with valine.
Molecular consequence: missense variant. On other transcripts: intron variant (1).
Genome position (GRCh38, 1-based): chr8:54,629,389, A>T. VCF-style: chr8-54629389-A-T. GRCh37 (hg19) VCF-style: chr8-55541949-A-T.
Other names: c.787+7101A>T (NM_001375654.1); short protein forms D1836V.
Identifiers: ClinVar variation 3638751 (VCV003638751.2).
Genomic context (GRCh38, chr8:54,629,389, plus strand): 5'-GCAATTACTTTAACATGCCTCATGGTAGTGACTCAGAACCTTTTCATGAGGACTTGCTGG[A>T]TGTTCGCAATGAAACCTGTGCCAAGGAAAGAATAGCAAATCATCATACAGAGGAGAAGGG-3'
Protein context (NP_006260.1, residues 1826-1846): DSEPFHEDLL[Asp1836Val]VRNETCAKER